The following is an entry in ClinVar:

ClinVar aggregate classification (germline): Pathogenic (1 of 4 stars; one submission).

Conditions:
Cystic fibrosis (CF). Also called: MUCOVISCIDOSIS. Identifiers: Orphanet 586, MedGen C0010674, MONDO:0009061, OMIM 219700. Disease mechanism: loss of function.

Submission:

Labcorp Genetics (formerly Invitae), Labcorp
Classification: Pathogenic for Cystic fibrosis. Last evaluated: 2023-06-03. Review status: criteria provided, single submitter. Criteria: Invitae Variant Classification Sherloc (09022015). Collection method: clinical testing. Allele origin: germline.
Comment: For these reasons, this variant has been classified as Pathogenic. Algorithms developed to predict the effect of sequence changes on RNA splicing suggest that this variant may disrupt the consensus splice site. This variant has not been reported in the literature in individuals affected with CFTR-related conditions. This variant is not present in population databases (gnomAD no frequency). This sequence change creates a premature translational stop signal (p.Lys688Phefs*2) in the CFTR gene. It is expected to result in an absent or disrupted protein product. Loss-of-function variants in CFTR are known to be pathogenic (PMID: 1695717, 7691345, 9725922).

Literature cited by the submitters: PubMed 1695717; PubMed 7691345; PubMed 9725922.

NM_000492.4(CFTR):c.2058_2061dup (p.Lys688delinsPheTer)

Gene: CFTR (CF transmembrane conductance regulator; plus strand). Cytogenetic location: 7q31.2.
Variant type: Duplication.
Coding change: c.2058_2061dup on transcript NM_000492.4 (MANE Select); coding-DNA positions 2058 to 2061, 4 bases duplicated (TTTT; older notation c.2058_2061dupTTTT).
Protein change: p.Lys688delinsPheTer.
Molecular consequence: nonsense.
Genome position (GRCh38, 1-based): chr7:117,592,225-117,592,228, TTTT duplicated. VCF-style (leftmost placement, unchanged base first): chr7-117592224-C-CTTTT. GRCh37 (hg19) VCF-style: chr7-117232278-C-CTTTT.
Identifiers: ClinVar variation 2735082 (VCV002735082.3), dbSNP rs1562907979, ClinGen allele CA2695208508.